The following is an entry in ClinVar:

ClinVar aggregate classification (germline): Uncertain significance (1 of 4 stars; one submission).

Conditions:
Cystic fibrosis (CF). Also called: MUCOVISCIDOSIS. Identifiers: Orphanet 586, MedGen C0010674, MONDO:0009061, OMIM 219700. Disease mechanism: loss of function.

Submission:

Labcorp Genetics (formerly Invitae), Labcorp
Classification: Uncertain significance for Cystic fibrosis. Last evaluated: 2023-06-30. Review status: criteria provided, single submitter. Criteria: Invitae Variant Classification Sherloc (09022015). Collection method: clinical testing. Allele origin: germline.
Comment: In summary, the available evidence is currently insufficient to determine the role of this variant in disease. Therefore, it has been classified as a Variant of Uncertain Significance. Advanced modeling of protein sequence and biophysical properties (such as structural, functional, and spatial information, amino acid conservation, physicochemical variation, residue mobility, and thermodynamic stability) performed at Invitae indicates that this missense variant is not expected to disrupt CFTR protein function. This variant has not been reported in the literature in individuals affected with CFTR-related conditions. This variant is not present in population databases (gnomAD no frequency). This sequence change replaces proline, which is neutral and non-polar, with arginine, which is basic and polar, at codon 1443 of the CFTR protein (p.Pro1443Arg).

NM_000492.4(CFTR):c.4328C>G (p.Pro1443Arg)

Genes: CFTR (CF transmembrane conductance regulator; plus strand), LOC111674477 (CFTR intron 23 enhancer; plus strand). Cytogenetic location: 7q31.2.
Variant type: single nucleotide variant.
Coding change: c.4328C>G on transcript NM_000492.4 (MANE Select); coding-DNA position 4328, C replaced by G.
Protein change: p.Pro1443Arg; replaces proline 1443 with arginine.
Molecular consequence: missense variant.
Genome position (GRCh38, 1-based): chr7:117,666,993, C>G. VCF-style: chr7-117666993-C-G. GRCh37 (hg19) VCF-style: chr7-117307047-C-G.
Other names: short protein forms P1443R.
Identifiers: ClinVar variation 2911102 (VCV002911102.3), dbSNP rs2485185692, ClinGen allele CA368984902.